The following is an entry in ClinVar:

ClinVar aggregate classification (germline): Uncertain significance (1 of 4 stars; one submission).

Conditions:
Hereditary cancer-predisposing syndrome. Also called: Neoplastic Syndromes, Hereditary; Hereditary Cancer Syndrome; Hereditary neoplastic syndrome; Tumor predisposition. Identifiers: Orphanet 140162, MedGen C0027672, MeSH D009386, MONDO:0015356.

Submission:

Ambry Genetics
Classification: Uncertain significance for Hereditary cancer-predisposing syndrome. Last evaluated: 2023-04-18. Review status: criteria provided, single submitter. Criteria: Ambry Variant Classification Scheme 2023. Collection method: clinical testing. Allele origin: germline.
Comment: The p.L696R variant (also known as c.2087T>G), located in coding exon 15 of the TSC1 gene, results from a T to G substitution at nucleotide position 2087. The leucine at codon 696 is replaced by arginine, an amino acid with dissimilar properties. This amino acid position is conserved. In addition, this alteration is predicted to be deleterious by in silico analysis. Since supporting evidence is limited at this time, the clinical significance of this alteration remains unclear.

NM_000368.5(TSC1):c.2087T>G (p.Leu696Arg)

Gene: TSC1 (TSC complex subunit 1; minus strand). Cytogenetic location: 9q34.13.
Variant type: single nucleotide variant.
Coding change: c.2087T>G on transcript NM_000368.5 (MANE Select); coding-DNA position 2087, T replaced by G.
Protein change: p.Leu696Arg; replaces leucine 696 with arginine.
Molecular consequence: missense variant. On other transcripts: non-coding transcript variant (4).
Genome position (GRCh38, 1-based): chr9:132,903,772, A>C on the plus strand (T>G on the coding strand, the complement: TSC1 is on the minus strand). VCF-style: chr9-132903772-A-C. GRCh37 (hg19) VCF-style: chr9-135779159-A-C.
Other names: c.1934T>G, p.Leu645Arg (NM_001406610.1, NM_001162427.2); c.1931T>G, p.Leu644Arg (NM_001406611.1, NM_001406612.1, NM_001406613.1); c.1724T>G, p.Leu575Arg (NM_001406619.1, NM_001406614.1, NM_001406615.1 and 5 more transcripts); c.2084T>G, p.Leu695Arg (NM_001162426.2, NM_001406597.1, NM_001406598.1 and 4 more transcripts); c.2087T>G, p.Leu696Arg (NM_001406592.1, NM_001406593.1, NM_001406594.1 and 5 more transcripts); c.2072T>G, p.Leu691Arg (NM_001406601.1, NM_001406602.1); c.2069T>G, p.Leu690Arg (NM_001406603.1, NM_001406604.1); c.1721T>G, p.Leu574Arg (NM_001406620.1, NM_001406621.1, NM_001406622.1 and 2 more transcripts); and 3 more; short protein forms L345R, L575R, L379R, L644R, L690R, L645R, L691R, L696R.
Identifiers: ClinVar variation 2562867 (VCV002562867.2), dbSNP rs2131770978, ClinGen allele CA375361082.